The following is an entry in ClinVar:

NM_001267550.2(TTN):c.85471C>T (p.Arg28491Cys)

Genes: TTN (titin; minus strand), TTN-AS1 (TTN antisense RNA 1; plus strand). Cytogenetic location: 2q31.2.
Variant type: single nucleotide variant.
Coding change: c.85471C>T on transcript NM_001267550.2 (MANE Select); coding-DNA position 85471, C replaced by T.
Protein change: p.Arg28491Cys; replaces arginine 28491 with cysteine.
Molecular consequence: missense variant.
Genome position (GRCh38, 1-based): chr2:178,560,661, G>A on the plus strand (C>T on the coding strand, the complement: TTN is on the minus strand). VCF-style: chr2-178560661-G-A. GRCh37 (hg19) VCF-style: chr2-179425388-G-A.
Other names: c.80548C>T, p.Arg26850Cys (NM_001256850.1); c.58276C>T, p.Arg19426Cys (NM_003319.4); c.77767C>T, p.Arg25923Cys (NM_133378.4); c.58651C>T, p.Arg19551Cys (NM_133432.3); c.58852C>T, p.Arg19618Cys (NM_133437.4); short protein forms R25923C, R19551C, R19618C, R19426C, R26850C, R28491C.
Identifiers: ClinVar variation 1749913 (VCV001749913.5), dbSNP rs746090724, ClinGen allele CA1988634.

ClinVar aggregate classification (germline): Uncertain significance. Review status: criteria provided, multiple submitters, no conflicts (2 of 4 stars). 2 submissions from 2 submitters: Uncertain significance (2). Last evaluated 2022-04-06.

Conditions:
Cardiovascular phenotype. Identifiers: MedGen CN230736.

Allele frequency attached by ClinVar (database versions not stated): TOPMed 0.00001; gnomAD 0.00002; gnomAD exomes 0.00002; ExAC 0.00006.
gnomAD v4.1: 35 of 1,613,416 alleles (0.0022%); highest among the groups gnomAD compares: South Asian, 0.032%; 1 homozygote.

Submissions (2):

Revvity Omics, Revvity
Classification: Uncertain significance. Last evaluated: 2022-04-06. Review status: criteria provided, single submitter. Criteria: ACMG Guidelines, 2015. Collection method: clinical testing. Allele origin: germline.

Ambry Genetics
Classification: Uncertain significance for Cardiovascular phenotype. Last evaluated: 2020-01-09. Review status: criteria provided, single submitter. Criteria: Ambry Variant Classification Scheme 2023. Collection method: clinical testing. Allele origin: germline.
Comment: The p.R19426C variant (also known as c.58276C>T), located in coding exon 153 of the TTN gene, results from a C to T substitution at nucleotide position 58276. The arginine at codon 19426 is replaced by cysteine, an amino acid with highly dissimilar properties. This amino acid position is highly conserved in available vertebrate species. In addition, this alteration is predicted to be tolerated by in silico analysis. Since supporting evidence is limited at this time, the clinical significance of this alteration remains unclear.